The following is an entry in ClinVar:

NC_000017.10:g.(?_3379454)_(3402382_?)del

Gene: ASPA (aspartoacylase; plus strand). Cytogenetic location: 17p13.2.
Variant type: Deletion.
Identifiers: ClinVar variation 3242932 (VCV003242932.1).

ClinVar aggregate classification (germline): Pathogenic (1 of 4 stars; one submission).

Conditions:
Spongy degeneration of central nervous system. Also called: Canavan disease; Von Bogaert-Bertrand disease; ACY2 DEFICIENCY; AMINOACYLASE 2 DEFICIENCY; ASP DEFICIENCY; ASPA DEFICIENCY. Identifiers: Orphanet 141, MedGen C0206307, MONDO:0010079, OMIM 271900.

Submission:

Labcorp Genetics (formerly Invitae), Labcorp
Classification: Pathogenic for Spongy degeneration of central nervous system. Last evaluated: 2023-11-13. Review status: criteria provided, single submitter. Criteria: Invitae Variant Classification Sherloc (09022015). Collection method: clinical testing. Allele origin: unknown.
Comment: A gross deletion of the genomic region encompassing the full coding sequence of the ASPA gene has been identified. Loss-of-function variants in ASPA are known to be pathogenic (PMID: 12638939). The boundaries of this event are unknown as they extend beyond the assayed region for this gene and therefore may encompass additional genes. A similar copy number variant has been observed in individual(s) with Canavan disease (PMID: 19932039). In at least one individual the data is consistent with being in trans (on the opposite chromosome) from a pathogenic variant. For these reasons, this variant has been classified as Pathogenic.

Literature cited by the submitters: PubMed 12638939; PubMed 19932039.